The following is an entry in ClinVar:

NM_001164508.2(NEB):c.22800+2T>G

Genes: NEB (nebulin; minus strand), RIF1 (replication timing regulatory factor 1; plus strand). Cytogenetic location: 2q23.3.
Variant type: single nucleotide variant.
Coding change: c.22800+2T>G on transcript NM_001164508.2 (MANE Select); the canonical splice donor site of the intron after coding-DNA position 22800, T replaced by G.
Molecular consequence: splice donor variant.
Genome position (GRCh38, 1-based): chr2:151,518,316, A>C on the plus strand (T>G on the coding strand, the complement: NEB is on the minus strand). VCF-style: chr2-151518316-A-C. GRCh37 (hg19) VCF-style: chr2-152374830-A-C.
Other names: c.17697+2T>G (NM_004543.5); c.22800+2T>G (NM_001164507.2); c.22905+2T>G (NM_001271208.2).
Identifiers: ClinVar variation 551953 (VCV000551953.9), dbSNP rs1553627466, ClinGen allele CA348759001.

ClinVar aggregate classification (germline): Likely pathogenic. Review status: criteria provided, single submitter (1 of 4 stars). 2 submissions from 2 submitters: Likely pathogenic (1). 1 of the submissions does not count toward it. Last evaluated 2022-10-03.

Conditions:
Nemaline myopathy 2 (NEM2). Also called: Nemaline myopathy 2, autosomal recessive. Identifiers: MedGen C1850569, MONDO:0009725, OMIM 256030.

Allele frequency attached by ClinVar (database versions not stated): gnomAD exomes below 0.00001.
gnomAD v4.1: 5 of 1,589,860 alleles (0.00031%); highest among the groups gnomAD compares: Admixed American, 0.0017%; no homozygotes.

Submissions (2):

Labcorp Genetics (formerly Invitae), Labcorp
Classification: Likely pathogenic for Nemaline myopathy 2. Last evaluated: 2022-10-03. Review status: criteria provided, single submitter. Criteria: Invitae Variant Classification Sherloc (09022015). Collection method: clinical testing. Allele origin: germline.
Comment: This sequence change affects a donor splice site in intron 157 of the NEB gene. It is expected to disrupt RNA splicing. Variants that disrupt the donor or acceptor splice site typically lead to a loss of protein function (PMID: 16199547), and loss-of-function variants in NEB are known to be pathogenic (PMID: 25205138). This variant is not present in population databases (gnomAD no frequency). In summary, the currently available evidence indicates that the variant is pathogenic, but additional data are needed to prove that conclusively. Therefore, this variant has been classified as Likely Pathogenic. Algorithms developed to predict the effect of sequence changes on RNA splicing suggest that this variant may disrupt the consensus splice site. ClinVar contains an entry for this variant (Variation ID: 551953). This variant has not been reported in the literature in individuals affected with NEB-related conditions.

Counsyl
Classification: Likely pathogenic for Nemaline myopathy 2. Last evaluated: 2017-05-19. Review status: no assertion criteria provided. Collection method: clinical testing. Allele origin: unknown. Not counted in ClinVar's aggregate classification.

Literature cited by the submitters: PubMed 16199547 (cited by Labcorp Genetics (formerly Invitae), Labcorp); PubMed 25205138 (cited by Labcorp Genetics (formerly Invitae), Labcorp).